The following is an entry in ClinVar:

ClinVar aggregate classification (germline): Uncertain significance. Review status: criteria provided, multiple submitters, no conflicts (2 of 4 stars). 2 submissions from 2 submitters: Uncertain significance (2). Last evaluated 2019-06-24.

Conditions:
Ehlers-Danlos syndrome, classic type, 1 (EDSCL1). Also called: Ehlers-Danlos syndrome, type 1; Ehlers-Danlos Syndrome, Classic Type, COL5A1-Related; EDS I; EHLERS-DANLOS SYNDROME, GRAVIS TYPE; EHLERS-DANLOS SYNDROME, SEVERE CLASSIC TYPE. Identifiers: MedGen C0268335, MONDO:0019567, OMIM 130000.
Familial thoracic aortic aneurysm and aortic dissection (TAAD). Also called: Thoracic aortic aneurysms and dissections. Identifiers: Orphanet 91387, MedGen C4707243, MONDO:0019625.

Allele frequency attached by ClinVar (database versions not stated): ExAC 0.00001.
gnomAD v4.1: 9 of 1,608,570 alleles (0.00056%); highest among the groups gnomAD compares: South Asian, 0.0066%; no homozygotes.

Submissions (2):

Ambry Genetics
Classification: Uncertain significance for Familial thoracic aortic aneurysm and aortic dissection. Last evaluated: 2019-06-24. Review status: criteria provided, single submitter. Criteria: Ambry Variant Classification Scheme 2023. Collection method: clinical testing. Allele origin: germline.
Comment: The c.4554+4C>T intronic variant results from a C to T substitution 4 nucleotides after coding exon 58 in the COL5A1 gene. This nucleotide position is poorly conserved in available vertebrate species. Using the BDGP and ESEfinder splice site prediction tools, this alteration is not predicted to have any significant effect on this splice acceptor/donor site; however, direct evidence is unavailable. Since supporting evidence is limited at this time, the clinical significance of this alteration remains unclear.

Neuberg Centre For Genomic Medicine, NCGM
Classification: Uncertain significance for Ehlers-Danlos syndrome, classic type, 1. Review status: criteria provided, single submitter. Criteria: ACMG Guidelines, 2015. Collection method: clinical testing. Allele origin: germline. Inheritance: Autosomal dominant inheritance. Affected: yes.
Comment: The observed splice region / intronic c.4554+4C>T variant in COL5A1 gene has not been reported previously as a pathogenic variant nor as a benign variant, to our knowledge. This variant is reported with the allele frequency of 0.001% in the gnomAD Exomes. This variant has been reported to the ClinVar database as Uncertain Significance. However, no details are available for independent assessment. This splice region variant in intron 58 affects the position six nucleotides downstream of exon 57. The spliceAI tool predicts that this splice site variant is benign. For these reasons, this variant has been classified as Uncertain Significance.

NM_000093.5(COL5A1):c.4554+4C>T

Genes: COL5A1 (collagen type V alpha 1 chain; plus strand), LOC101448202 (uncharacterized LOC101448202; minus strand). Cytogenetic location: 9q34.3.
Variant type: single nucleotide variant.
Coding change: c.4554+4C>T on transcript NM_000093.5 (MANE Select); 4 bases into the intron after coding-DNA position 4554, C replaced by T.
Molecular consequence: intron variant.
Genome position (GRCh38, 1-based): chr9:134,820,227, C>T. VCF-style: chr9-134820227-C-T. GRCh37 (hg19) VCF-style: chr9-137712073-C-T.
Other names: c.4554+4C>T (NM_001278074.1).
Identifiers: ClinVar variation 1741454 (VCV001741454.3), dbSNP rs747787995, ClinGen allele CA5320332.
Genomic context (GRCh38, chr9:134,820,227, plus strand): 5'-AAGGGCGACCGTGGTCTCCCTGGCCCCCAGGGCTCCTCCGGTCCTAAGGGAGAACAGGTG[C>T]GTGAGATGGCACTTCTTGCATGTGGGCTGTCGAGAGGCATTTTAGATCCCTGGGGCAGGC-3'